The following is an entry in ClinVar:

ClinVar aggregate classification (germline): Uncertain significance (1 of 4 stars; one submission).

Submission:

CeGaT Center for Human Genetics Tuebingen
Classification: Uncertain significance. Last evaluated: 2024-11-01. Review status: criteria provided, single submitter. Criteria: CeGaT Center For Human Genetics Tuebingen Variant Classification Criteria Version 2. Collection method: clinical testing. Allele origin: germline. Affected: yes. Observed: 1 variant allele.
Comment: MAP3K4: PM2, PP3

NM_005922.4(MAP3K4):c.2228G>A (p.Gly743Glu)

Gene: MAP3K4 (mitogen-activated protein kinase kinase kinase 4; plus strand). Cytogenetic location: 6q26.
Variant type: single nucleotide variant.
Coding change: c.2228G>A on transcript NM_005922.4 (MANE Select); coding-DNA position 2228, G replaced by A.
Protein change: p.Gly743Glu; replaces glycine 743 with glutamic acid.
Molecular consequence: missense variant. On other transcripts: non-coding transcript variant (1).
Genome position (GRCh38, 1-based): chr6:161,081,011, G>A. VCF-style: chr6-161081011-G-A. GRCh37 (hg19) VCF-style: chr6-161502043-G-A.
Other names: c.587G>A, p.Gly196Glu (NM_001291958.2); c.2228G>A, p.Gly743Glu (NM_001301072.2, NM_001363582.2, NM_006724.4); short protein forms G196E, G743E.
Identifiers: ClinVar variation 3389029 (VCV003389029.14).